The following is an entry in ClinVar:

ClinVar aggregate classification (germline): Pathogenic (1 of 4 stars; one submission).

Conditions:
Chuvash polycythemia. Also called: POLYCYTHEMIA, VHL-DEPENDENT. Identifiers: Orphanet 238557, MedGen C1837915, MONDO:0009892, OMIM 263400.
Von Hippel-Lindau syndrome (VHLS). Also called: Von Hippel-Lindau; von Hippel–Lindau syndrome; VHL syndrome. Identifiers: Orphanet 892, MedGen C0019562, MONDO:0008667, OMIM 193300. Disease mechanism: loss of function.

Submission:

Labcorp Genetics (formerly Invitae), Labcorp
Classification: Pathogenic for Von Hippel-Lindau syndrome; Chuvash polycythemia. Last evaluated: 2025-07-02. Review status: criteria provided, single submitter. Criteria: Invitae Variant Classification Sherloc (09022015). Collection method: clinical testing. Allele origin: germline.
Comment: This sequence change creates a premature translational stop signal (p.His125Glnfs*7) in the VHL gene. It is expected to result in an absent or disrupted protein product. Loss-of-function variants in VHL are known to be pathogenic (PMID: 8956040, 12202531). This variant is not present in population databases (gnomAD no frequency). This premature translational stop signal has been observed in individual(s) with retinal angioma (PMID: 17024664). This variant is also known as c.374_375dupA. For these reasons, this variant has been classified as Pathogenic.

Literature cited by the submitters: PubMed 8956040; PubMed 12202531; PubMed 17024664.

NM_000551.4(VHL):c.374dup (p.His125fs)

Genes: VHL (von Hippel-Lindau tumor suppressor; plus strand), LOC107303340 (3p25 von Hippel-Lindau tumor suppressor, E3 ubiquitin protein ligase Alu-mediated recombination region; plus strand). Cytogenetic location: 3p25.3.
Variant type: Duplication.
Coding change: c.374dup on transcript NM_000551.4 (MANE Select); coding-DNA position 374, one base duplicated (A; older notation c.374dupA).
Protein change: p.His125fs; shifts the reading frame from histidine 125.
Molecular consequence: frameshift variant. On other transcripts: non-coding transcript variant (1), intron variant (2).
Genome position (GRCh38, 1-based): chr3:10,146,547, A duplicated. VCF-style (leftmost placement, unchanged base first): chr3-10146546-C-CA. GRCh37 (hg19) VCF-style: chr3-10188230-C-CA.
Other names: c.*18-3240dup (NM_001354723.2); c.341-3240dup (NM_198156.3); short protein forms H125fs.
Identifiers: ClinVar variation 4783618 (VCV004783618.1).